The following is an entry in ClinVar:

NM_020831.6(MRTFA):c.1061C>T (p.Pro354Leu)

Gene: MRTFA (myocardin related transcription factor A; minus strand). Cytogenetic location: 22q13.1.
Variant type: single nucleotide variant.
Coding change: c.1061C>T on transcript NM_020831.6 (MANE Select); coding-DNA position 1061, C replaced by T.
Protein change: p.Pro354Leu; replaces proline 354 with leucine.
Molecular consequence: missense variant.
Genome position (GRCh38, 1-based): chr22:40,420,967, G>A on the plus strand (C>T on the coding strand, the complement: MRTFA is on the minus strand). VCF-style: chr22-40420967-G-A. GRCh37 (hg19) VCF-style: chr22-40816971-G-A.
Other names: c.761C>T, p.Pro254Leu (NM_001282660.2); c.911C>T, p.Pro304Leu (NM_001282661.3); c.1061C>T, p.Pro354Leu (NM_001282662.3); c.866C>T, p.Pro289Leu (NM_001318139.2); short protein forms P304L, P354L, P254L, P289L.
Identifiers: ClinVar variation 3673649 (VCV003673649.2).

ClinVar aggregate classification (germline): Uncertain significance (1 of 4 stars; one submission).

gnomAD v4.1: 1 of 1,613,290 alleles (0.000062%); highest among the groups gnomAD compares: Non-Finnish European, 0.000085%; no homozygotes.

Submission:

Labcorp Genetics (formerly Invitae), Labcorp
Classification: Uncertain significance. Last evaluated: 2024-11-06. Review status: criteria provided, single submitter. Criteria: Invitae Variant Classification Sherloc (09022015). Collection method: clinical testing. Allele origin: germline.
Comment: This sequence change replaces proline, which is neutral and non-polar, with leucine, which is neutral and non-polar, at codon 254 of the MKL1 protein (p.Pro254Leu). This variant is not present in population databases (gnomAD no frequency). This variant has not been reported in the literature in individuals affected with MKL1-related conditions. An algorithm developed to predict the effect of missense changes on protein structure and function (PolyPhen-2) suggests that this variant is likely to be tolerated. In summary, the available evidence is currently insufficient to determine the role of this variant in disease. Therefore, it has been classified as a Variant of Uncertain Significance.